The following continues an entry in ClinVar:

NM_000071.3(CBS):c.430G>A (p.Glu144Lys)

Gene: CBS. ClinVar aggregate classification (germline): Pathogenic/Likely pathogenic. Pathogenic (11); Likely pathogenic (2).

Submissions 8 to 15 of 15:

Laboratory for Molecular Medicine, Mass General Brigham Personalized Medicine
Classification: Pathogenic for Classic homocystinuria. Last evaluated: 2022-08-26. Review status: criteria provided, single submitter. Criteria: ACMG Guidelines, 2015. Collection method: clinical testing. Allele origin: germline.
Comment: The p.Glu144Lys variant in CBS has been reported in at least 10 individuals with homocystinuria (Shih 1995 PMID: 7611293, Gordon 1998 PMID: 10215408, Gaustadnes 2002 PMID: 12124992, Kaur 2020 PMID: 33057012). It has also been identified in 0.0036% (2/55574) of European chromosomes by gnomAD. This variant has also been reported in ClinVar (Variation ID 122). Computational prediction tools and conservation analyses suggest that this variant may impact the protein, though this information is not predictive enough to determine pathogenicity. In vitro functional studies support an impact on protein function as the expression of enzymatic activity was found to be <1% of wild type in E. Coli and yeast (Gordon 1998 PMID: 10215408, Mayfield 2012 PMID: 22267502). In summary, this variant meets criteria to be classified as pathogenic for autosomal recessive homocystinuria. ACMG/AMP Criteria applied: PM3_VeryStrong, PM2_Supporting, PP3, PS3_Supporting. (This variant did not meet the variant calling quality criteria, and was included because it has been previously reported as a clinically significant variant.)

Myriad Genetics, Inc.
Classification: Likely pathogenic for Classic homocystinuria. Last evaluated: 2021-11-09. Review status: criteria provided, single submitter. Criteria: Myriad Women's Health Autosomal Recessive and X-Linked Classification Criteria (2021). Collection method: clinical testing. Allele origin: unknown.
Comment: NM_000071.2(CBS):c.430G>A(E144K) is a missense variant classified as likely pathogenic in the context of homocystinuria, CBS-related. E144K has been observed in cases with relevant disease (PMID: 14722927, 12124992, 11359213, 7611293, 33057012). Functional assessments of this variant are available in the literature (PMID: 25331909, 22267502, 20506325, 20490928). E144K has been observed in population frequency databases (gnomAD: SAS 0.01%). In summary, NM_000071.2(CBS):c.430G>A(E144K) is a missense variant that has been observed more frequently in cases with the relevant disease than in healthy populations. Please note: this variant was assessed in the context of healthy population screening.

Institute of Medical Genetics and Applied Genomics, University Hospital Tübingen
Classification: Pathogenic. Last evaluated: 2021-02-01. Review status: criteria provided, single submitter. Criteria: ACMG Guidelines, 2015. Collection method: clinical testing. Allele origin: germline. Inheritance: Autosomal recessive inheritance. Affected: yes.

CeGaT Center for Human Genetics Tuebingen
Classification: Pathogenic. Last evaluated: 2018-08-01. Review status: criteria provided, single submitter. Criteria: CeGaT Center For Human Genetics Tuebingen Variant Classification Criteria Version 2. Collection method: clinical testing. Allele origin: germline. Affected: yes. Observed: 1 variant allele.

Eurofins Ntd Llc (ga)
Classification: Pathogenic. Last evaluated: 2015-11-18. Review status: criteria provided, single submitter. Criteria: EGL Classification Definitions 2015. Collection method: clinical testing. Allele origin: germline. Observed: 2 variant alleles, 2 heterozygotes.

Suma Genomics
Classification: Likely pathogenic for Classic homocystinuria. Review status: criteria provided, single submitter. Criteria: ACMG Guidelines, 2015. Collection method: clinical testing. Allele origin: inherited. Inheritance: Autosomal recessive inheritance. Affected: yes.

PreventionGenetics, part of Exact Sciences
Classification: Likely pathogenic for CBS-related condition. Last evaluated: 2024-07-09. Review status: no assertion criteria provided. Collection method: clinical testing. Allele origin: germline. Not counted in ClinVar's aggregate classification.
Comment: The CBS c.430G>A variant is predicted to result in the amino acid substitution p.Glu144Lys. This variant has been reported in the heterozygous state with a second causative or likely causative variant in multiple patients with cystathionine beta-synthase deficiency (e.g., Shih et al. 1995. PubMed ID: 7611293; Janosík et al. 2001. PubMed ID: 11359213; Gaustadnes et al. 2002. PubMed ID: 12124992; Kaur et al. 2020. PubMed ID: 33057012). Functional studies have shown that the p.Glu144Lys change essentially abolishes CBS activity in E. coli and yeast cells (Kozich et al. 2010. PubMed ID: 20506325; Mayfield et al. 2012. PubMed ID: 22267502), although studies using CHO-K1 cells were conflicting (Melenovská et al. 2014. PubMed ID: 25331909). This variant is reported in 0.0098% of alleles in individuals of South Asian descent in gnomAD. Taken together, this variant is interpreted as likely pathogenic.

OMIM
Classification: Pathogenic for HOMOCYSTINURIA, PYRIDOXINE-RESPONSIVE. Last evaluated: 1995-07-01. Review status: no assertion criteria provided. Collection method: literature only. Allele origin: germline. Not counted in ClinVar's aggregate classification.

Literature cited by the submitters: PubMed 7611293 (cited by 5 submitters); PubMed 10215408 (cited by 3 submitters); PubMed 12124992 (cited by 4 submitters); PubMed 33057012 (cited by Labcorp Genetics (formerly Invitae), Labcorp and Myriad Genetics, Inc.); PubMed 20506325 (cited by 3 submitters); PubMed 22267502 (cited by 3 submitters); PubMed 25331909 (cited by 3 submitters); PubMed 11359213 (cited by Women's Health and Genetics/Laboratory Corporation of America, LabCorp and Myriad Genetics, Inc.); PubMed 14722927 (cited by Myriad Genetics, Inc.); PubMed 20490928 (cited by Myriad Genetics, Inc.).